The following is an entry in ClinVar:

ClinVar aggregate classification (germline): Uncertain significance (1 of 4 stars; one submission).

Allele frequency attached by ClinVar (database versions not stated): TOPMed 0.00001.
gnomAD v4.1: 1 of 1,614,008 alleles (0.000062%); highest among the groups gnomAD compares: Non-Finnish European, 0.000085%; no homozygotes.

Submission:

GeneDx
Classification: Uncertain significance. Last evaluated: 2025-10-24. Review status: criteria provided, single submitter. Criteria: GeneDx Variant Classification Process June 2021. Collection method: clinical testing. Allele origin: germline. Affected: yes.
Comment: Not observed at significant frequency in large population cohorts (gnomAD); In silico analysis supports that this missense variant has a deleterious effect on protein structure/function; Has not been previously published as pathogenic or benign to our knowledge

NM_004667.6(HERC2):c.9961A>G (p.Ser3321Gly)

Gene: HERC2 (HECT and RLD domain containing E3 ubiquitin protein ligase 2; minus strand). Cytogenetic location: 15q13.1.
Variant type: single nucleotide variant.
Coding change: c.9961A>G on transcript NM_004667.6 (MANE Select); coding-DNA position 9961, A replaced by G.
Protein change: p.Ser3321Gly; replaces serine 3321 with glycine.
Molecular consequence: missense variant.
Genome position (GRCh38, 1-based): chr15:28,174,491, T>C on the plus strand (A>G on the coding strand, the complement: HERC2 is on the minus strand). VCF-style: chr15-28174491-T-C. GRCh37 (hg19) VCF-style: chr15-28419637-T-C.
Other names: short protein forms S3321G.
Identifiers: ClinVar variation 2507293 (VCV002507293.2), dbSNP rs745731459, ClinGen allele CA391381116.